The following is an entry in ClinVar:

NM_001048174.2(MUTYH):c.914-27G>A

Gene: MUTYH (mutY DNA glycosylase; minus strand). Cytogenetic location: 1p34.1.
Variant type: single nucleotide variant.
Coding change: c.914-27G>A on transcript NM_001048174.2 (MANE Select); 27 bases into the intron before coding-DNA position 914, G replaced by A.
Molecular consequence: intron variant.
Genome position (GRCh38, 1-based): chr1:45,331,876, C>T on the plus strand (G>A on the coding strand, the complement: MUTYH is on the minus strand). VCF-style: chr1-45331876-C-T. GRCh37 (hg19) VCF-style: chr1-45797548-C-T.
Other names: c.569-27G>A (NM_001350651.2, NM_001350650.2); c.638-27G>A (NM_001293192.2, NM_001293196.2); c.914-27G>A (NM_001048171.2, NM_001048173.2, NM_001293195.2); c.959-27G>A (NM_001293190.2); c.989-27G>A (NM_012222.3); c.998-27G>A (NM_001128425.2); c.917-27G>A (NM_001048172.2); c.947-27G>A (NM_001293191.2).
Identifiers: ClinVar variation 371680 (VCV000371680.29), dbSNP rs188830619, ClinGen allele CA059998.

ClinVar aggregate classification (germline): Likely benign. Review status: criteria provided, multiple submitters, no conflicts (2 of 4 stars). 5 submissions from 5 submitters: Likely benign (3). 2 of the submissions do not count toward it. Last evaluated 2026-09-01.

Conditions:
Familial adenomatous polyposis 2. Also called: MYH-associated polyposis; MUTYH-related attenuated familial adenomatous polyposis; FAP type 2; MUTYH Polyposis; MUTYH-associated polyposis; Adenomas, multiple colorectal. Identifiers: Orphanet 220460, Orphanet 247798, MedGen C3272841, MONDO:0012041, OMIM 608456.

Allele frequency attached by ClinVar (database versions not stated): 1000 Genomes Project 30x 0.00062; 1000 Genomes Project 0.00080; ESP Exome Variant Server 0.00093; TOPMed 0.00100; gnomAD 0.00113; gnomAD exomes 0.00121; ExAC 0.00153.
gnomAD v4.1: 2,822 of 1,602,248 alleles (0.18%); highest among the groups gnomAD compares: Non-Finnish European, 0.22%; 3 homozygotes.

Submissions (5):

CeGaT Center for Human Genetics Tuebingen
Classification: Likely benign. Last evaluated: 2026-09-01. Review status: criteria provided, single submitter. Criteria: CeGaT Center For Human Genetics Tuebingen Variant Classification Criteria Version 2. Collection method: clinical testing. Allele origin: germline. Affected: yes. Observed: 5 variant alleles.
Comment: MUTYH: BS2

Center for Genomic Medicine, Rigshospitalet, Copenhagen University Hospital
Classification: Likely benign. Last evaluated: 2025-03-04. Review status: criteria provided, single submitter. Criteria: ACMG Guidelines, 2015. Collection method: clinical testing. Allele origin: germline.

Blueprint Genetics
Classification: Likely benign. Last evaluated: 2024-11-22. Review status: criteria provided, single submitter. Criteria: ACMG Guidelines, 2015. Collection method: clinical testing. Allele origin: germline.

Counsyl
Classification: Likely benign for Familial adenomatous polyposis 2. Last evaluated: 2016-05-06. Review status: no assertion criteria provided. Collection method: clinical testing. Allele origin: unknown. Not counted in ClinVar's aggregate classification.

Department of Pathology and Laboratory Medicine, Sinai Health System
Classification: Uncertain significance. Review status: no assertion criteria provided. Collection method: clinical testing. Allele origin: unknown. Affected: yes. Study: The Canadian Open Genetics Repository (COGR). Not counted in ClinVar's aggregate classification.

Literature cited by the submitters: PubMed 22297469 (cited by Counsyl); PubMed 17949294 (cited by Counsyl); PubMed 16557584 (cited by Counsyl).